The following is an entry in ClinVar:

ClinVar aggregate classification (germline): Uncertain significance. Review status: criteria provided, multiple submitters, no conflicts (2 of 4 stars). 3 submissions from 3 submitters: Uncertain significance (2). 1 of the submissions does not count toward it. Last evaluated 2022-07-19.

Conditions:
Inborn genetic diseases. Identifiers: MedGen C0950123, MeSH D030342.
Glycine encephalopathy. Also called: Nonketotic hyperglycinemia; Non-ketotic hyperglycinemia. Identifiers: Orphanet 407, MedGen C0751748, MONDO:0011612, HP:0008288.

Allele frequency attached by ClinVar (database versions not stated): gnomAD exomes 0.00002; TOPMed 0.00003; ExAC 0.00004; ESP Exome Variant Server 0.00008.
gnomAD v4.1: 22 of 1,607,254 alleles (0.0014%); highest among the groups gnomAD compares: Admixed American, 0.005%; 1 homozygote.

Submissions (3):

Labcorp Genetics (formerly Invitae), Labcorp
Classification: Uncertain significance for Glycine encephalopathy. Last evaluated: 2022-07-19. Review status: criteria provided, single submitter. Criteria: Invitae Variant Classification Sherloc (09022015). Collection method: clinical testing. Allele origin: germline.
Comment: This sequence change replaces asparagine, which is neutral and polar, with serine, which is neutral and polar, at codon 477 of the GLDC protein (p.Asn477Ser). This variant is present in population databases (rs372136194, gnomAD 0.009%). This variant has not been reported in the literature in individuals affected with GLDC-related conditions. ClinVar contains an entry for this variant (Variation ID: 843283). Advanced modeling of protein sequence and biophysical properties (such as structural, functional, and spatial information, amino acid conservation, physicochemical variation, residue mobility, and thermodynamic stability) performed at Invitae indicates that this missense variant is not expected to disrupt GLDC protein function. In summary, the available evidence is currently insufficient to determine the role of this variant in disease. Therefore, it has been classified as a Variant of Uncertain Significance.

Ambry Genetics
Classification: Uncertain significance for Inborn genetic diseases. Last evaluated: 2022-02-28. Review status: criteria provided, single submitter. Criteria: Ambry Variant Classification Scheme 2023. Collection method: clinical testing. Allele origin: germline.

Natera, Inc.
Classification: Uncertain significance for Non-ketotic hyperglycinemia. Last evaluated: 2020-09-16. Review status: no assertion criteria provided. Collection method: clinical testing. Allele origin: germline. Not counted in ClinVar's aggregate classification.

NM_000170.3(GLDC):c.1430A>G (p.Asn477Ser)

Gene: GLDC (glycine decarboxylase; minus strand). Cytogenetic location: 9p24.1.
Variant type: single nucleotide variant.
Coding change: c.1430A>G on transcript NM_000170.3 (MANE Select); coding-DNA position 1430, A replaced by G.
Protein change: p.Asn477Ser; replaces asparagine 477 with serine.
Molecular consequence: missense variant.
Genome position (GRCh38, 1-based): chr9:6,592,195, T>C on the plus strand (A>G on the coding strand, the complement: GLDC is on the minus strand). VCF-style: chr9-6592195-T-C. GRCh37 (hg19) VCF-style: chr9-6592195-T-C.
Other names: short protein forms N477S.
Identifiers: ClinVar variation 843283 (VCV000843283.5), dbSNP rs372136194, ClinGen allele CA4980711.